The following is an entry in ClinVar:

ClinVar aggregate classification (germline): Uncertain significance (1 of 4 stars; one submission).

Conditions:
IFT140-related disorder. Also called: IFT140-related condition.

Submission:

PreventionGenetics, part of Exact Sciences
Classification: Uncertain significance for IFT140-related condition. Last evaluated: 2023-03-10. Review status: criteria provided, single submitter. Criteria: ACMG Guidelines, 2015. Collection method: clinical testing. Allele origin: germline.
Comment: The IFT140 c.4108G>T variant is predicted to result in the amino acid substitution p.Asp1370Tyr. To our knowledge, this variant has not been reported in the literature or in a large population database, indicating this variant is rare. At this time, the clinical significance of this variant is uncertain due to the absence of conclusive functional and genetic evidence.

NM_014714.4(IFT140):c.4108G>T (p.Asp1370Tyr)

Gene: IFT140 (intraflagellar transport 140; minus strand). Cytogenetic location: 16p13.3.
Variant type: single nucleotide variant.
Coding change: c.4108G>T on transcript NM_014714.4 (MANE Select); coding-DNA position 4108, G replaced by T.
Protein change: p.Asp1370Tyr; replaces aspartic acid 1370 with tyrosine.
Molecular consequence: missense variant.
Genome position (GRCh38, 1-based): chr16:1,518,290, C>A on the plus strand (G>T on the coding strand, the complement: IFT140 is on the minus strand). VCF-style: chr16-1518290-C-A. GRCh37 (hg19) VCF-style: chr16-1568291-C-A.
Other names: short protein forms D1370Y.
Identifiers: ClinVar variation 2633808 (VCV002633808.1), dbSNP rs2506063946, ClinGen allele CA394223701.